The following is an entry in ClinVar:

ClinVar aggregate classification (germline): Uncertain significance (1 of 4 stars; one submission).

Conditions:
KMT2D-related disorder. Also called: KMT2D-Related Disorders.

Allele frequency attached by ClinVar (database versions not stated): gnomAD exomes below 0.00001.

Submission:

PreventionGenetics, part of Exact Sciences
Classification: Uncertain significance for KMT2D-related condition. Last evaluated: 2023-09-27. Review status: criteria provided, single submitter. Criteria: ACMG Guidelines, 2015. Collection method: clinical testing. Allele origin: germline.
Comment: The KMT2D c.14085T>A variant is predicted to result in the amino acid substitution p.Ser4695Arg. To our knowledge, this variant has not been reported in the literature or in a large population database, indicating this variant is rare. At this time, the clinical significance of this variant is uncertain due to the absence of conclusive functional and genetic evidence.

NM_003482.4(KMT2D):c.14085T>A (p.Ser4695Arg)

Gene: KMT2D (lysine methyltransferase 2D; minus strand). Cytogenetic location: 12q13.12.
Variant type: single nucleotide variant.
Coding change: c.14085T>A on transcript NM_003482.4 (MANE Select); coding-DNA position 14085, T replaced by A.
Protein change: p.Ser4695Arg; replaces serine 4695 with arginine.
Molecular consequence: missense variant.
Genome position (GRCh38, 1-based): chr12:49,029,227, A>T on the plus strand (T>A on the coding strand, the complement: KMT2D is on the minus strand). VCF-style: chr12-49029227-A-T. GRCh37 (hg19) VCF-style: chr12-49423010-A-T.
Other names: short protein forms S4695R.
Identifiers: ClinVar variation 2631096 (VCV002631096.1), dbSNP rs1285999889, ClinGen allele CA384697904.